The following is an entry in ClinVar:

ClinVar aggregate classification (germline): Uncertain significance (1 of 4 stars; one submission).

Conditions:
Charcot-Marie-Tooth disease axonal type 2V. Also called: CHARCOT-MARIE-TOOTH NEUROPATHY, TYPE 2V; CHARCOT-MARIE-TOOTH DISEASE, AXONAL, AUTOSOMAL DOMINANT, TYPE 2V. Identifiers: Orphanet 447964, MedGen C5569050, MONDO:0014665, OMIM 616491.
Mucopolysaccharidosis, MPS-III-B (MPS3B). Also called: MPS IIIB (Sanfilippo Syndrome Type B); N-ACETYL-ALPHA-D-GLUCOSAMINIDASE DEFICIENCY; NAGLU DEFICIENCY; MUCOPOLYSACCHARIDOSIS, TYPE IIIB; Mucopolysaccharidosis type IIIB (Sanfilippo B); SANFILIPPO SYNDROME B. Identifiers: Orphanet 79270, MedGen C0086648, MONDO:0009656, OMIM 252920.

Allele frequency attached by ClinVar (database versions not stated): TOPMed 0.00002; ExAC 0.00003; gnomAD exomes below 0.00001 and 0.00001; gnomAD 0.00001; ESP Exome Variant Server 0.00008.
gnomAD v4.1: 7 of 1,613,686 alleles (0.00043%); highest among the groups gnomAD compares: Admixed American, 0.0033%; no homozygotes.

Submission:

Labcorp Genetics (formerly Invitae), Labcorp
Classification: Uncertain significance for Charcot-Marie-Tooth disease axonal type 2V; Mucopolysaccharidosis, MPS-III-B. Last evaluated: 2024-01-17. Review status: criteria provided, single submitter. Criteria: Invitae Variant Classification Sherloc (09022015). Collection method: clinical testing. Allele origin: germline.
Comment: This sequence change replaces arginine, which is basic and polar, with histidine, which is basic and polar, at codon 377 of the NAGLU protein (p.Arg377His). This variant is present in population databases (rs199850748, gnomAD 0.007%). This variant has not been reported in the literature in individuals affected with NAGLU-related conditions. ClinVar contains an entry for this variant (Variation ID: 1348572). Advanced modeling of protein sequence and biophysical properties (such as structural, functional, and spatial information, amino acid conservation, physicochemical variation, residue mobility, and thermodynamic stability) has been performed at Invitae for this missense variant, however the output from this modeling did not meet the statistical confidence thresholds required to predict the impact of this variant on NAGLU protein function. In summary, the available evidence is currently insufficient to determine the role of this variant in disease. Therefore, it has been classified as a Variant of Uncertain Significance.

NM_000263.4(NAGLU):c.1130G>A (p.Arg377His)

Gene: NAGLU (N-acetyl-alpha-glucosaminidase; plus strand). Cytogenetic location: 17q21.2.
Variant type: single nucleotide variant.
Coding change: c.1130G>A on transcript NM_000263.4 (MANE Select); coding-DNA position 1130, G replaced by A.
Protein change: p.Arg377His; replaces arginine 377 with histidine.
Molecular consequence: missense variant.
Genome position (GRCh38, 1-based): chr17:42,543,136, G>A. VCF-style: chr17-42543136-G-A. GRCh37 (hg19) VCF-style: chr17-40695154-G-A.
Other names: short protein forms R377H.
Identifiers: ClinVar variation 1348572 (VCV001348572.4), dbSNP rs199850748, ClinGen allele CA8576969.